The following is an entry in ClinVar:

NC_000013.10:g.(?_99336978)_(102379160_?)del

Genes: CLYBL (citramalyl-CoA lyase; plus strand), DOCK9 (dedicator of cytokinesis 9; minus strand), FGF14 (fibroblast growth factor 14; minus strand), GGACT (gamma-glutamylamine cyclotransferase; minus strand), GPR18 (G protein-coupled receptor 18; minus strand) and 10 more. Cytogenetic location: 13q32.3-33.1.
Variant type: Deletion.
Identifiers: ClinVar variation 2425688 (VCV002425688.4).

ClinVar aggregate classification (germline): Pathogenic (1 of 4 stars; one submission).

Conditions:
Holoprosencephaly 5 (HPE5). Identifiers: Orphanet 2162, MedGen C1864827, MONDO:0012322, OMIM 609637.

Submission:

Labcorp Genetics (formerly Invitae), Labcorp
Classification: Pathogenic for Holoprosencephaly 5. Last evaluated: 2022-05-14. Review status: criteria provided, single submitter. Criteria: Invitae Variant Classification Sherloc (09022015). Collection method: clinical testing. Allele origin: germline.
Comment: A gross deletion of the genomic region encompassing the full coding sequence of the ZIC2 gene has been identified. Loss-of-function variants in ZIC2 are known to be pathogenic (PMID: 19177455). The boundaries of this event are unknown as they extend beyond the assayed region for this gene and therefore may encompass additional genes. A similar copy number variant has been observed in individual(s) with holoprosencephaly (PMID: 19955556). In at least one individual the variant was observed to be de novo. For these reasons, this variant has been classified as Pathogenic.

Literature cited by the submitters: PubMed 19177455; PubMed 19955556.